The following is an entry in ClinVar:

NM_001371928.1(AHDC1):c.2031C>T (p.Gly677=)

Gene: AHDC1 (AT-hook DNA binding motif containing 1; minus strand). Cytogenetic location: 1p36.11.
Variant type: single nucleotide variant.
Coding change: c.2031C>T on transcript NM_001371928.1 (MANE Select); coding-DNA position 2031, C replaced by T.
Protein change: p.Gly677=; no amino-acid change (glycine 677 retained).
Molecular consequence: synonymous variant.
Genome position (GRCh38, 1-based): chr1:27,550,085, G>A on the plus strand (C>T on the coding strand, the complement: AHDC1 is on the minus strand). VCF-style: chr1-27550085-G-A. GRCh37 (hg19) VCF-style: chr1-27876596-G-A.
Other names: c.2031C>T, p.Gly677= (NM_001029882.3).
Identifiers: ClinVar variation 3239386 (VCV003239386.19), dbSNP rs2521967915.
Genomic context (GRCh38, chr1:27,550,085, plus strand): 5'-GCCCTCAAAGAAGTCACTGAAGGAGCATCGGGCTGACTTGGCCGCATGGCCCCCACCCCG[G>A]CCACCAAAACCGCCTGCTTTGCCCCCACGCCGCCGGAAGCCCTGCACACGATGCAGGAAG-3'
Protein context (NP_001358857.1, residues 667-687): RRGGKAGGFG[Gly677=]RGGGHAAKSA

ClinVar aggregate classification (germline): Likely benign (1 of 4 stars; one submission).

Submission:

CeGaT Center for Human Genetics Tuebingen
Classification: Likely benign. Last evaluated: 2024-04-01. Review status: criteria provided, single submitter. Criteria: CeGaT Center For Human Genetics Tuebingen Variant Classification Criteria Version 2. Collection method: clinical testing. Allele origin: germline. Affected: yes. Observed: 2 variant alleles.
Comment: AHDC1: PM2:Supporting, BP4, BP7